The following is an entry in ClinVar:

NM_012431.3(SEMA3E):c.2109G>A (p.Ser703=)

Gene: SEMA3E (semaphorin 3E; minus strand). Cytogenetic location: 7q21.11.
Variant type: single nucleotide variant.
Coding change: c.2109G>A on transcript NM_012431.3 (MANE Select); coding-DNA position 2109, G replaced by A.
Protein change: p.Ser703=; no amino-acid change (serine 703 retained).
Molecular consequence: synonymous variant.
Genome position (GRCh38, 1-based): chr7:83,367,805, C>T on the plus strand (G>A on the coding strand, the complement: SEMA3E is on the minus strand). VCF-style: chr7-83367805-C-T. GRCh37 (hg19) VCF-style: chr7-82997121-C-T.
Other names: c.2109G>A (NM_012431.2); c.1929G>A, p.Ser643= (NM_001178129.2).
Identifiers: ClinVar variation 2077215 (VCV002077215.7), dbSNP rs759436104, ClinGen allele CA456344364.

ClinVar aggregate classification (germline): Likely benign. Review status: criteria provided, multiple submitters, no conflicts (2 of 4 stars). 3 submissions from 3 submitters: Likely benign (2). 1 of the submissions does not count toward it. Last evaluated 2026-01-05.

Conditions:
SEMA3E-related disorder. Also called: SEMA3E-related condition.
CHARGE syndrome (CHARGE). Also called: Hittner Hirsch Kreh syndrome; CHARGE ASSOCIATION--COLOBOMA, HEART ANOMALY, CHOANAL ATRESIA, RETARDATION, GENITAL AND EAR ANOMALIES; Coloboma, heart anomaly, choanal atresia, retardation, genital and ear anomalies; CHARGE association; Hall-Hittner syndrome. Identifiers: Orphanet 138, MedGen C0265354, MONDO:0008965.

Allele frequency attached by ClinVar (database versions not stated): TOPMed 0.00001.
gnomAD v4.1: 41 of 1,613,956 alleles (0.0025%); highest among the groups gnomAD compares: Non-Finnish European, 0.0032%; no homozygotes.

Submissions (3):

Labcorp Genetics (formerly Invitae), Labcorp
Classification: Likely benign for CHARGE syndrome. Last evaluated: 2026-01-05. Review status: criteria provided, single submitter. Criteria: Invitae Variant Classification Sherloc (09022015). Collection method: clinical testing. Allele origin: germline.

Blueprint Genetics
Classification: Likely benign. Last evaluated: 2024-06-12. Review status: criteria provided, single submitter. Criteria: ACMG Guidelines, 2015. Collection method: clinical testing. Allele origin: germline.

PreventionGenetics, part of Exact Sciences
Classification: Likely benign for SEMA3E-related condition. Last evaluated: 2019-03-28. Review status: no assertion criteria provided. Collection method: clinical testing. Allele origin: germline. Not counted in ClinVar's aggregate classification.
Comment: This variant is classified as likely benign based on ACMG/AMP sequence variant interpretation guidelines (Richards et al. 2015 PMID: 25741868, with internal and published modifications).